The following is an entry in ClinVar:

NM_002291.3(LAMB1):c.2936ACA[2] (p.Asn981del)

Gene: LAMB1 (laminin subunit beta 1; minus strand). Cytogenetic location: 7q31.1.
Variant type: Microsatellite.
Coding change: c.2936ACA[2] on transcript NM_002291.3 (MANE Select); two copies in a row of the 3-base unit ACA starting at c.2936; the reference has three copies in a row; one copy, 3 bases deleted.
Protein change: p.Asn981del; deletes asparagine 981.
Genome position (GRCh38, 1-based): chr7:107,953,665-107,953,667, TGT deleted on the plus strand (ACA on the coding strand, the reverse complement: LAMB1 is on the minus strand); deleting any 3 consecutive bases within chr7:107,953,665-107,953,673 gives the same sequence; the position shown is the placement nearest the transcript's 3' end. VCF-style (leftmost placement, unchanged base first): chr7-107953664-ATGT-A. GRCh37 (hg19) VCF-style: chr7-107594109-ATGT-A.
Other names: short protein forms N981del.
Identifiers: ClinVar variation 3688067 (VCV003688067.2).

ClinVar aggregate classification (germline): Uncertain significance (1 of 4 stars; one submission).

Submission:

Labcorp Genetics (formerly Invitae), Labcorp
Classification: Uncertain significance. Last evaluated: 2024-05-06. Review status: criteria provided, single submitter. Criteria: Invitae Variant Classification Sherloc (09022015). Collection method: clinical testing. Allele origin: germline.
Comment: This variant, c.2942_2944del, results in the deletion of 1 amino acid(s) of the LAMB1 protein (p.Asn981del), but otherwise preserves the integrity of the reading frame. This variant is not present in population databases (gnomAD no frequency). This variant has not been reported in the literature in individuals affected with LAMB1-related conditions. Experimental studies and prediction algorithms are not available or were not evaluated, and the functional significance of this variant is currently unknown. In summary, the available evidence is currently insufficient to determine the role of this variant in disease. Therefore, it has been classified as a Variant of Uncertain Significance.